The following is an entry in ClinVar:

ClinVar aggregate classification (germline): Uncertain significance. Review status: criteria provided, multiple submitters, no conflicts (2 of 4 stars). 2 submissions from 2 submitters: Uncertain significance (2). Last evaluated 2026-02-24.

Conditions:
Hereditary cancer-predisposing syndrome. Also called: Tumor predisposition; Hereditary Cancer Syndrome; Hereditary neoplastic syndrome; Neoplastic Syndromes, Hereditary. Identifiers: Orphanet 140162, MedGen C0027672, MeSH D009386, MONDO:0015356.

Submissions (2):

Ambry Genetics
Classification: Uncertain significance for Hereditary cancer-predisposing syndrome. Last evaluated: 2026-02-24. Review status: criteria provided, single submitter. Criteria: Ambry Variant Classification Scheme 2023. Collection method: clinical testing. Allele origin: germline.
Comment: The p.C333Y variant (also known as c.998G>A), located in coding exon 10 of the POLE gene, results from a G to A substitution at nucleotide position 998. The cysteine at codon 333 is replaced by tyrosine, an amino acid with highly dissimilar properties. This amino acid position is conserved. In addition, this alteration is predicted to be tolerated by in silico analysis. Based on the available evidence, the clinical significance of this variant remains unclear.

Center for Genomic Medicine, Rigshospitalet, Copenhagen University Hospital
Classification: Uncertain significance. Last evaluated: 2025-03-04. Review status: criteria provided, single submitter. Criteria: ACMG Guidelines, 2015. Collection method: clinical testing. Allele origin: germline.

NM_006231.4(POLE):c.998G>A (p.Cys333Tyr)

Gene: POLE (DNA polymerase epsilon, catalytic subunit; minus strand). Cytogenetic location: 12q24.33.
Variant type: single nucleotide variant.
Coding change: c.998G>A on transcript NM_006231.4 (MANE Select); coding-DNA position 998, G replaced by A.
Protein change: p.Cys333Tyr; replaces cysteine 333 with tyrosine.
Molecular consequence: missense variant.
Genome position (GRCh38, 1-based): chr12:132,676,116, C>T on the plus strand (G>A on the coding strand, the complement: POLE is on the minus strand). VCF-style: chr12-132676116-C-T. GRCh37 (hg19) VCF-style: chr12-133252702-C-T.
Other names: c.998G>A (NM_006231.2); short protein forms C333Y.
Identifiers: ClinVar variation 2691927 (VCV002691927.3), dbSNP rs2542166845, ClinGen allele CA387363528.